The following is an entry in ClinVar:

NM_001199138.2(NLRC4):c.2038C>G (p.Leu680Val)

Gene: NLRC4 (NLR family CARD domain containing 4; minus strand). Cytogenetic location: 2p22.3.
Variant type: single nucleotide variant.
Coding change: c.2038C>G on transcript NM_001199138.2 (MANE Select); coding-DNA position 2038, C replaced by G.
Protein change: p.Leu680Val; replaces leucine 680 with valine.
Molecular consequence: missense variant. On other transcripts: intron variant (1).
Genome position (GRCh38, 1-based): chr2:32,249,826, G>C on the plus strand (C>G on the coding strand, the complement: NLRC4 is on the minus strand). VCF-style: chr2-32249826-G-C. GRCh37 (hg19) VCF-style: chr2-32474895-G-C.
Other names: c.2038C>G, p.Leu680Val (NM_001199139.2, NM_021209.5); c.262+2593C>G (NM_001302504.1); short protein forms L680V.
Identifiers: ClinVar variation 2043499 (VCV002043499.4), dbSNP rs1687024195, ClinGen allele CA346511137.
Genomic context (GRCh38, chr2:32,249,826, plus strand): 5'-CACCAGCACATCTCTTTATTTGCAGCCTGAGGCTTGTGGCAGAGCTGAATATTTTCCCCA[G>C]ATATCTGATATCTTGCTTATTCAACTTGCTGAAATCCCGGAGTGTGACCTCCAGAGTCCT-3'
Protein context (NP_001186067.1, residues 670-690): SKLNKQDIRY[Leu680Val]GKIFSSATSL

ClinVar aggregate classification (germline): Uncertain significance (1 of 4 stars; one submission).

Conditions:
Periodic fever-infantile enterocolitis-autoinflammatory syndrome. Also called: Autoinflammation with infantile enterocolitis. Identifiers: Orphanet 436166, MedGen C4015067, MONDO:0014472, OMIM 616050.
Familial cold autoinflammatory syndrome 4 (FCAS4). Identifiers: Orphanet 47045, Orphanet 576349, MedGen C4015276, MONDO:0014498, OMIM 616115.

Allele frequency attached by ClinVar (database versions not stated): gnomAD exomes below 0.00001; TOPMed below 0.00001.
gnomAD v4.1: 1 of 1,614,178 alleles (0.000062%); highest among the groups gnomAD compares: Non-Finnish European, 0.000085%; no homozygotes.

Submission:

Labcorp Genetics (formerly Invitae), Labcorp
Classification: Uncertain significance for Periodic fever-infantile enterocolitis-autoinflammatory syndrome; Familial cold autoinflammatory syndrome 4. Last evaluated: 2021-12-24. Review status: criteria provided, single submitter. Criteria: Invitae Variant Classification Sherloc (09022015). Collection method: clinical testing. Allele origin: germline.
Comment: In summary, the available evidence is currently insufficient to determine the role of this variant in disease. Therefore, it has been classified as a Variant of Uncertain Significance. Algorithms developed to predict the effect of missense changes on protein structure and function are either unavailable or do not agree on the potential impact of this missense change (SIFT: "Deleterious"; PolyPhen-2: "Probably Damaging"; Align-GVGD: "Class C0"). This variant has not been reported in the literature in individuals affected with NLRC4-related conditions. This variant is not present in population databases (gnomAD no frequency). This sequence change replaces leucine, which is neutral and non-polar, with valine, which is neutral and non-polar, at codon 680 of the NLRC4 protein (p.Leu680Val).